The following is an entry in ClinVar:

NM_007186.6(CEP250):c.6376C>A (p.Pro2126Thr)

Gene: CEP250 (centrosomal protein 250; plus strand). Cytogenetic location: 20q11.22.
Variant type: single nucleotide variant.
Coding change: c.6376C>A on transcript NM_007186.6 (MANE Select); coding-DNA position 6376, C replaced by A.
Protein change: p.Pro2126Thr; replaces proline 2126 with threonine.
Molecular consequence: missense variant.
Genome position (GRCh38, 1-based): chr20:35,504,745, C>A. VCF-style: chr20-35504745-C-A. GRCh37 (hg19) VCF-style: chr20-34092573-C-A.
Other names: c.4480C>A, p.Pro1494Thr (NM_001318219.1); short protein forms P1494T, P2126T.
Identifiers: ClinVar variation 2107136 (VCV002107136.4), dbSNP rs754798617, ClinGen allele CA314161724.
Genomic context (GRCh38, chr20:35,504,745, plus strand): 5'-AAGGAACAGGAGATTCTGGAGCTGAGGGAGACCCAGCAAAGGAACAACCTGGAAGCCTTA[C>A]CCCACAGCCACAAAACCTCCCCAATGGAGGAACAATCTCTAAAACTTGATTCTTTAGAGC-3'
Protein context (NP_009117.2, residues 2116-2136): TQQRNNLEAL[Pro2126Thr]HSHKTSPMEE

ClinVar aggregate classification (germline): Uncertain significance (1 of 4 stars; one submission).

Allele frequency attached by ClinVar (database versions not stated): gnomAD 0.00001; TOPMed 0.00001.

Submission:

Labcorp Genetics (formerly Invitae), Labcorp
Classification: Uncertain significance. Last evaluated: 2023-11-27. Review status: criteria provided, single submitter. Criteria: Invitae Variant Classification Sherloc (09022015). Collection method: clinical testing. Allele origin: germline.
Comment: This sequence change replaces proline, which is neutral and non-polar, with threonine, which is neutral and polar, at codon 2126 of the CEP250 protein (p.Pro2126Thr). This variant is present in population databases (no rsID available, gnomAD 0.002%). This variant has not been reported in the literature in individuals affected with CEP250-related conditions. ClinVar contains an entry for this variant (Variation ID: 2107136). An algorithm developed to predict the effect of missense changes on protein structure and function (PolyPhen-2) suggests that this variant is likely to be tolerated. In summary, the available evidence is currently insufficient to determine the role of this variant in disease. Therefore, it has been classified as a Variant of Uncertain Significance.